The following is an entry in ClinVar:

NM_206933.4(USH2A):c.10256_10262delinsCATTTGCACTGTGCAGTGA (p.Asn3419_Thr3421delinsThrPheAlaLeuCysSerAsp)

Gene: USH2A (usherin; minus strand). Cytogenetic location: 1q41.
Variant type: Indel.
Coding change: c.10256_10262delinsCATTTGCACTGTGCAGTGA on transcript NM_206933.4 (MANE Select); coding-DNA positions 10256 to 10262, ACTTTAC replaced by CATTTGCACTGTGCAGTGA.
Protein change: p.Asn3419_Thr3421delinsThrPheAlaLeuCysSerAsp.
Molecular consequence: inframe indel.
Genome position (GRCh38, 1-based): chr1:215,786,795-215,786,801, GTAAAGT replaced by TCACTGCACAGTGCAAATG on the plus strand (ACTTTAC replaced by CATTTGCACTGTGCAGTGA on the coding strand, the reverse complement: USH2A is on the minus strand). VCF-style: chr1-215786795-GTAAAGT-TCACTGCACAGTGCAAATG. GRCh37 (hg19) VCF-style: chr1-215960137-GTAAAGT-TCACTGCACAGTGCAAATG.
Other names: c.10256_10262delACTTTACinsCATTTGCACTGTGCAGTGA (NM_206933.2).
Identifiers: ClinVar variation 598477 (VCV000598477.10), dbSNP rs1558097546, ClinGen allele CA913189847.

ClinVar aggregate classification (germline): Uncertain significance. Review status: criteria provided, multiple submitters, no conflicts (2 of 4 stars). 6 submissions from 5 submitters: Uncertain significance (6). Last evaluated 2026-01-23.

Conditions:
Retinitis pigmentosa 39 (RP39). Identifiers: Orphanet 791, MedGen C3151138, MONDO:0013436, OMIM 613809.
Inborn genetic diseases. Identifiers: MedGen C0950123, MeSH D030342.
Usher syndrome type 2A. Also called: RETINAL DISEASE IN USHER SYNDROME TYPE IIA, MODIFIER OF; USHER SYNDROME, TYPE IIA. Identifiers: Orphanet 231178, Orphanet 886, MedGen C1848634, MONDO:0010169, OMIM 276901.

Submissions (6):

3billion
Classification: Uncertain significance for Retinitis pigmentosa 39. Last evaluated: 2026-01-23. Review status: criteria provided, single submitter. Criteria: ACMG Guidelines, 2015. Collection method: clinical testing. Allele origin: germline. Affected: yes.
Comment: The variant is not observed in the gnomAD v4.1.0 dataset. Predicted Consequence/Location: Inframe insertion The variant has been reported as of uncertain significance (ClinVar ID: VCV000598477). Therefore, this variant is classified as VUS according to the recommendation of ACMG/AMP guideline.

Labcorp Genetics (formerly Invitae), Labcorp
Classification: Uncertain significance. Last evaluated: 2026-01-02. Review status: criteria provided, single submitter. Criteria: Invitae Variant Classification Sherloc (09022015). Collection method: clinical testing. Allele origin: germline.
Comment: This variant, c.10256_10262delins19 , is a complex sequence change that results in the deletion of 3 and insertion of 7 amino acid(s) in the USH2A protein (p.Asn3419_Thr3421delinsThrPheAlaLeuCysSerAsp). Information on the frequency of this variant in the gnomAD database is not available, as this variant may be reported differently in the database. This variant has not been reported in the literature in individuals affected with USH2A-related conditions. Experimental studies and prediction algorithms are not available or were not evaluated, and the functional significance of this variant is currently unknown. In summary, the available evidence is currently insufficient to determine the role of this variant in disease. Therefore, it has been classified as a Variant of Uncertain Significance.

Genome-Nilou Lab
Classification: Uncertain significance for Retinitis pigmentosa 39. Last evaluated: 2023-04-11. Review status: criteria provided, single submitter. Criteria: ACMG Guidelines, 2015. Collection method: clinical testing. Allele origin: germline. Affected: no.

Genome-Nilou Lab
Classification: Uncertain significance for Usher syndrome type 2A. Last evaluated: 2023-04-11. Review status: criteria provided, single submitter. Criteria: ACMG Guidelines, 2015. Collection method: clinical testing. Allele origin: germline. Affected: no.

Ambry Genetics
Classification: Uncertain significance for Inborn genetic diseases. Last evaluated: 2020-03-03. Review status: criteria provided, single submitter. Criteria: Ambry Variant Classification Scheme 2023. Collection method: clinical testing. Allele origin: germline.
Comment: The alteration results from an in-frame insertion/deletion: _x000D_ _x000D_ The c.10256_10262delACTTTACins19 (p.N3419_T3421delinsTFALCSD) alteration, located in exon 52 (coding exon 51) of the USH2A gene, results from an in-frame deletion of 7 and insertion of 19 nucleotides from position 10256 to 10262. This results in the substitution of asparagine, phenylalanine, and threonine residues for 7 alternative residues between codon 3419 and 3421. The alteration is rare in population databases: _x000D_ _x000D_ Based on data from the Genome Aggregation Database (gnomAD), the c.10256_10262delACTTTACins19 alteration was observed in 3 alleles in the Latino subpopulation, with a frequency of 0.0012% of total alleles studied and 0.0087% of Latino subpopulation alleles. The alteration is predicted deleterious by in silico modeling:_x000D_ _x000D_ The c.10256_10262delACTTTACins19 alteration is predicted to be deleterious with a score of -10.507 by PROVEAN in silico analysis. Based on insufficient or conflicting evidence, the clinical significance of this alteration remains unclear.

Eurofins Ntd Llc (ga)
Classification: Uncertain significance. Last evaluated: 2018-08-20. Review status: criteria provided, single submitter. Criteria: EGL ClinVar v180209 classification definitions. Collection method: clinical testing. Allele origin: germline. Observed: 1 variant allele, 1 heterozygote.